The following is an entry in ClinVar:

ClinVar aggregate classification (germline): Uncertain significance. Review status: criteria provided, multiple submitters, no conflicts (2 of 4 stars). 2 submissions from 2 submitters: Uncertain significance (2). Last evaluated 2024-05-14.

Conditions:
Immunodeficiency 104. Also called: Severe Combined Immune Deficiency, Autosomal Recessive, TCell -Negative, B Cell-Positive, NK Cell-Positive, IL7R-Related; IMMUNODEFICIENCY 104, SEVERE COMBINED; SCID, AUTOSOMAL RECESSIVE, T CELL-NEGATIVE, B CELL-POSITIVE, NK CELL-POSITIVE; Severe combined immunodeficiency, autosomal recessive, T cell-negative, B cell-positive, NK cell-positive. Identifiers: MedGen C5676890, MONDO:0012163, OMIM 608971.

Allele frequency attached by ClinVar (database versions not stated): gnomAD 0.00001; gnomAD exomes 0.00001; ExAC 0.00002.
gnomAD v4.1: 12 of 1,613,354 alleles (0.00074%); highest among the groups gnomAD compares: Non-Finnish European, 0.001%; no homozygotes.

Submissions (2):

Women's Health and Genetics/Laboratory Corporation of America, LabCorp
Classification: Uncertain significance. Last evaluated: 2024-05-14. Review status: criteria provided, single submitter. Criteria: LabCorp Variant Classification Summary - May 2015. Collection method: clinical testing. Allele origin: germline.
Comment: Variant summary: IL7R c.313A>C (p.Ser105Arg) results in a non-conservative amino acid change located in the IL-7Ralpha, fibronectin type III domain (IPR040997) of the encoded protein sequence. Three of five in-silico tools predict a benign effect of the variant on protein function. The variant allele was found at a frequency of 1.2e-05 in 250944 control chromosomes. The available data on variant occurrences in the general population are insufficient to allow any conclusion about variant significance. To our knowledge, no occurrence of c.313A>C in individuals affected with Severe Combined Immunodeficiency and no experimental evidence demonstrating its impact on protein function have been reported. ClinVar contains an entry for this variant (Variation ID: 1420240). Based on the evidence outlined above, the variant was classified as uncertain significance.

Labcorp Genetics (formerly Invitae), Labcorp
Classification: Uncertain significance for Immunodeficiency 104. Last evaluated: 2022-08-13. Review status: criteria provided, single submitter. Criteria: Invitae Variant Classification Sherloc (09022015). Collection method: clinical testing. Allele origin: germline.
Comment: This sequence change replaces serine, which is neutral and polar, with arginine, which is basic and polar, at codon 105 of the IL7R protein (p.Ser105Arg). This variant is present in population databases (rs199742437, gnomAD 0.002%). This variant has not been reported in the literature in individuals affected with IL7R-related conditions. ClinVar contains an entry for this variant (Variation ID: 1420240). Advanced modeling of protein sequence and biophysical properties (such as structural, functional, and spatial information, amino acid conservation, physicochemical variation, residue mobility, and thermodynamic stability) performed at Invitae indicates that this missense variant is expected to disrupt IL7R protein function. In summary, the available evidence is currently insufficient to determine the role of this variant in disease. Therefore, it has been classified as a Variant of Uncertain Significance.

NM_002185.5(IL7R):c.313A>C (p.Ser105Arg)

Gene: IL7R (interleukin 7 receptor; plus strand). Cytogenetic location: 5p13.2.
Variant type: single nucleotide variant.
Coding change: c.313A>C on transcript NM_002185.5 (MANE Select); coding-DNA position 313, A replaced by C.
Protein change: p.Ser105Arg; replaces serine 105 with arginine.
Molecular consequence: missense variant. On other transcripts: non-coding transcript variant (1).
Genome position (GRCh38, 1-based): chr5:35,867,397, A>C. VCF-style: chr5-35867397-A-C. GRCh37 (hg19) VCF-style: chr5-35867499-A-C.
Other names: short protein forms S105R.
Identifiers: ClinVar variation 1420240 (VCV001420240.6), dbSNP rs199742437, ClinGen allele CA3231910.